The following is an entry in ClinVar:

NM_001267550.2(TTN):c.82810G>A (p.Gly27604Ser)

Genes: TTN-AS1 (TTN antisense RNA 1; plus strand), TTN (titin; minus strand). Cytogenetic location: 2q31.2.
Variant type: single nucleotide variant.
Coding change: c.82810G>A on transcript NM_001267550.2 (MANE Select); coding-DNA position 82810, G replaced by A.
Protein change: p.Gly27604Ser; replaces glycine 27604 with serine.
Molecular consequence: missense variant.
Genome position (GRCh38, 1-based): chr2:178,563,322, C>T on the plus strand (G>A on the coding strand, the complement: TTN is on the minus strand). VCF-style: chr2-178563322-C-T. GRCh37 (hg19) VCF-style: chr2-179428049-C-T.
Other names: p.G25963S:GGC>AGC; c.77887G>A, p.Gly25963Ser (NM_001256850.1); c.55615G>A, p.Gly18539Ser (NM_003319.4); c.75106G>A, p.Gly25036Ser (NM_133378.4); c.55990G>A, p.Gly18664Ser (NM_133432.3); c.56191G>A, p.Gly18731Ser (NM_133437.4); short protein forms G25036S, G27604S, G25963S, G18539S, G18664S, G18731S.
Identifiers: ClinVar variation 178184 (VCV000178184.75), dbSNP rs199929362, ClinGen allele CA181694.

ClinVar aggregate classification (germline): Conflicting classifications of pathogenicity. Review status: criteria provided, conflicting classifications (1 of 4 stars). 15 submissions from 11 submitters: Uncertain significance (5); Benign (4); Likely benign (6). Last evaluated 2026-01-26.

Conditions:
Cardiovascular phenotype. Identifiers: MedGen CN230736.
Dilated cardiomyopathy 1G (CMD1G). Identifiers: Orphanet 154, MedGen C1858763, MONDO:0011400, OMIM 604145.
Autosomal recessive limb-girdle muscular dystrophy type 2J (LGMDR10). Also called: Limb-girdle muscular dystrophy, type 2J; MUSCULAR DYSTROPHY, LIMB-GIRDLE, AUTOSOMAL RECESSIVE 10. Identifiers: Orphanet 140922, MedGen C1837342, MONDO:0012127, OMIM 608807.
Cardiomyopathy (CMYO). Also called: Cardiomyopathies. Identifiers: Orphanet 167848, MedGen C0878544, MONDO:0004994, HP:0001638. Inheritance: Various modes of inheritance.
Early-onset myopathy with fatal cardiomyopathy (CMYO5). Also called: CONGENITAL MYOPATHY 5 WITH CARDIOMYOPATHY; Salih Myopathy. Identifiers: Orphanet 289377, MedGen C2673677, MONDO:0012714, OMIM 611705. Disease mechanism: loss of function.
Tibial muscular dystrophy (TMD). Also called: UDD MYOPATHY; Tibial muscular dystrophy, tardive; Udd Distal Myopathy – Tibial Muscular Dystrophy. Identifiers: Orphanet 609, MedGen C1838244, MONDO:0010870, OMIM 600334.
Myopathy, myofibrillar, 9, with early respiratory failure (MFM9). Also called: Hereditary myopathy with early respiratory failure; MYOPATHY, PROXIMAL, WITH EARLY RESPIRATORY MUSCLE INVOLVEMENT; EDSTROM MYOPATHY; Myopathy, distal, with early respiratory failure, autosomal dominant. Identifiers: Orphanet 178464, Orphanet 34521, MedGen C1863599, MONDO:0011362, OMIM 603689.

Allele frequency attached by ClinVar (database versions not stated): gnomAD 0.00013; ExAC 0.00040; TOPMed 0.00041; ESP Exome Variant Server 0.00048.
gnomAD v4.1: 399 of 1,613,500 alleles (0.025%); highest among the groups gnomAD compares: East Asian, 0.0067%; 1 homozygote.

Submissions (15):

Labcorp Genetics (formerly Invitae), Labcorp
Classification: Benign for Dilated cardiomyopathy 1G; Autosomal recessive limb-girdle muscular dystrophy type 2J. Last evaluated: 2026-01-26. Review status: criteria provided, single submitter. Criteria: Invitae Variant Classification Sherloc (09022015). Collection method: clinical testing. Allele origin: germline.

Women's Health and Genetics/Laboratory Corporation of America, LabCorp
Classification: Likely benign. Last evaluated: 2026-01-12. Review status: criteria provided, single submitter. Criteria: LabCorp Variant Classification Summary - May 2015. Collection method: clinical testing. Allele origin: germline.
Comment: Variant summary: TTN c.75106G>A (p.Gly25036Ser) results in a non-conservative amino acid change located in the A-band region of the encoded protein sequence. Algorithms developed to predict the effect of missense changes on protein structure and function are either unavailable or do not agree on the potential impact of this missense change. The variant allele was found at a frequency of 0.00054 in 248130 control chromosomes. The observed variant frequency exceeds the estimated maximal expected allele frequency for disease-causing variants in TTN. c.75106G>A has been observed in individuals affected with Hypertrophy Cardiomyopathy and in an individual undergoing multigene panel testing for congenital myopathy, without strong evidence of causality (example: Lopes_2013, Savarese_2014, Marian_2018). These reports do not provide unequivocal conclusions about association of the variant with Dilated Cardiomyopathy. To our knowledge, no experimental evidence demonstrating an impact on protein function has been reported. The following publications have been ascertained in the context of this evaluation (PMID: 23396983, 25214167, 29540445). ClinVar contains an entry for this variant (Variation ID: 178184). Based on the evidence outlined above, the variant was classified as likely benign.

CeGaT Center for Human Genetics Tuebingen
Classification: Likely benign. Last evaluated: 2025-09-01. Review status: criteria provided, single submitter. Criteria: CeGaT Center For Human Genetics Tuebingen Variant Classification Criteria Version 2. Collection method: clinical testing. Allele origin: germline. Affected: yes. Observed: 12 variant alleles.
Comment: TTN: BS1

Blueprint Genetics
Classification: Likely benign. Last evaluated: 2024-09-30. Review status: criteria provided, single submitter. Criteria: ACMG Guidelines, 2015. Collection method: clinical testing. Allele origin: germline.

CHEO Genetics Diagnostic Laboratory, Children's Hospital of Eastern Ontario
Classification: Likely benign for Cardiomyopathy. Last evaluated: 2021-10-18. Review status: criteria provided, single submitter. Criteria: ACMG Guidelines, 2015. Collection method: clinical testing. Allele origin: germline.

GeneDx
Classification: Likely benign. Last evaluated: 2021-06-24. Review status: criteria provided, single submitter. Criteria: GeneDx Variant Classification Process June 2021. Collection method: clinical testing. Allele origin: germline. Affected: yes.
Comment: This variant is associated with the following publications: (PMID: 23396983)

Ambry Genetics
Classification: Likely benign for Cardiovascular phenotype. Last evaluated: 2020-03-23. Review status: criteria provided, single submitter. Criteria: Ambry Variant Classification Scheme 2023. Collection method: clinical testing. Allele origin: germline.

Illumina Laboratory Services, Illumina
Classification: Benign for Tibial muscular dystrophy. Last evaluated: 2018-01-12. Review status: criteria provided, single submitter. Criteria: ICSL Variant Classification Criteria 13 December 2019. Collection method: clinical testing. Allele origin: germline.
Comment: This variant was observed in the ICSL laboratory as part of a predisposition screen in an ostensibly healthy population. It had not been previously curated by ICSL or reported in the Human Gene Mutation Database (HGMD: prior to June 1st, 2018), and was therefore a candidate for classification through an automated scoring system. Utilizing variant allele frequency, disease prevalence and penetrance estimates, and inheritance mode, an automated score was calculated to assess if this variant is too frequent to cause the disease. Based on the score and internal cut-off values, a variant classified as benign is not then subjected to further curation. The score for this variant resulted in a classification of benign for this disease.

Illumina Laboratory Services, Illumina
Classification: Uncertain significance for Dilated cardiomyopathy 1G. Last evaluated: 2018-01-12. Review status: criteria provided, single submitter. Criteria: ICSL Variant Classification Criteria 13 December 2019. Collection method: clinical testing. Allele origin: germline.

Illumina Laboratory Services, Illumina
Classification: Benign for Myopathy, myofibrillar, 9, with early respiratory failure. Last evaluated: 2018-01-12. Review status: criteria provided, single submitter. Criteria: ICSL Variant Classification Criteria 13 December 2019. Collection method: clinical testing. Allele origin: germline.
Comment: the same text as in the submission from Illumina Laboratory Services, Illumina above.

Illumina Laboratory Services, Illumina
Classification: Uncertain significance for Early-onset myopathy with fatal cardiomyopathy. Last evaluated: 2018-01-12. Review status: criteria provided, single submitter. Criteria: ICSL Variant Classification Criteria 13 December 2019. Collection method: clinical testing. Allele origin: germline.

Illumina Laboratory Services, Illumina
Classification: Uncertain significance for Autosomal recessive limb-girdle muscular dystrophy type 2J. Last evaluated: 2018-01-12. Review status: criteria provided, single submitter. Criteria: ICSL Variant Classification Criteria 13 December 2019. Collection method: clinical testing. Allele origin: germline.

Eurofins Ntd Llc (ga)
Classification: Benign. Last evaluated: 2017-04-26. Review status: criteria provided, single submitter. Criteria: EGL Classification Definitions 2015. Collection method: clinical testing. Allele origin: germline. Observed: 4 variant alleles, 4 heterozygotes.

Laboratory for Molecular Medicine, Mass General Brigham Personalized Medicine
Classification: Uncertain significance. Last evaluated: 2014-02-17. Review status: criteria provided, single submitter. Criteria: LMM Criteria. Collection method: clinical testing. Allele origin: germline. Observed: 1 variant allele.
Comment: The Gly25036Ser variant in TTN has not been previously reported in individuals w ith cardiomyopathy, but has been identified in 6/8414 European American chromoso mes by the NHLBI Exome Sequencing Project (dbSNP r s199929362). Computational analyses (amino acid biochemical properties, conserv ation, PolyPhen-2, AlignGVGD) do not provide strong support for or against an im pact to the protein. Additional information is needed to fully assess the clinic al significance of this variant.

Biesecker Lab/Clinical Genomics Section, National Institutes of Health
Classification: Uncertain significance. Last evaluated: 2013-06-24. Review status: criteria provided, single submitter. Criteria: Ng et al. (Circ Cardiovasc Genet. 2013). Collection method: research. Allele origin: unknown. Observed: 1 variant allele. Study: ClinSeq.
Comment: The study set was not selected for affection status in relation to any cancer. Pathogenicity categories were based on literature curation. See Pubmed ID:23861362 for details.

Medical sequencing

Literature cited by the submitters: PubMed 23396983 (cited by Women's Health and Genetics/Laboratory Corporation of America, LabCorp and Ambry Genetics); PubMed 25214167 (cited by Women's Health and Genetics/Laboratory Corporation of America, LabCorp and Ambry Genetics); PubMed 29540445 (cited by Women's Health and Genetics/Laboratory Corporation of America, LabCorp); PubMed 25979592 (cited by Ambry Genetics).